The following is an entry in ClinVar:

ClinVar aggregate classification (germline): Pathogenic/Likely pathogenic. Review status: criteria provided, multiple submitters, no conflicts (2 of 4 stars). 3 submissions from 3 submitters: Pathogenic (2); Likely pathogenic (1). Last evaluated 2025-10-13.

Conditions:
Tooth agenesis, selective, 4 (STHAG4). Also called: TOOTH AGENESIS, SELECTIVE, 4, WITH OR WITHOUT ECTODERMAL DYSPLASIA; SUCCEDANEOUS TEETH, AGENESIS OF; LATERAL INCISORS, ABSENCE OF; LATERAL INCISORS, PEGGED OR MISSING. Identifiers: Orphanet 99798, MedGen C1835492, MONDO:0007881, OMIM 150400. Disease mechanism: loss of function.
Odonto-onycho-dermal dysplasia. Identifiers: Orphanet 2721, MedGen C0796093, MONDO:0009773, OMIM 257980.
Schöpf-Schulz-Passarge syndrome. Also called: ECCRINE TUMORS WITH ECTODERMAL DYSPLASIA; KERATOSIS PALMOPLANTARIS WITH CYSTIC EYELIDS, HYPODONTIA, AND HYPOTRICHOSIS; SchC6pf-Schulz-Passarge syndrome. Identifiers: Orphanet 50944, MedGen C1857069, MONDO:0009145, OMIM 224750.

Allele frequency attached by ClinVar (database versions not stated): TOPMed below 0.00001.

Submissions (3):

Natera, Inc.
Classification: Pathogenic for Schopf-Schulz-Passarge syndrome. Last evaluated: 2025-10-13. Review status: criteria provided, single submitter. Criteria: Natera Variant Classification Schema (03/2026). Collection method: clinical testing. Allele origin: germline.
Comment: The c.1A>T variant in WNT10A is predicted to result in start loss due to disruption of the initiator methionine. This variant is expected to result in nonsense mediated decay, truncation, or a dysfunctional protein product. This variant is rare in the general population with a frequency below the threshold expected for the associated phenotype(s). This variant has been observed in one or more individuals affected with the associated recessive disease, as either homozygous or compound heterozygous with a second variant (PMID: 23401279). Given the available evidence, this variant is classified as Pathogenic.

Fulgent Genetics
Classification: Likely pathogenic for Tooth agenesis, selective, 4; Schöpf-Schulz-Passarge syndrome; Odonto-onycho-dermal dysplasia. Last evaluated: 2024-03-05. Review status: criteria provided, single submitter. Criteria: ACMG Guidelines, 2015. Collection method: clinical testing. Allele origin: germline.

Labcorp Genetics (formerly Invitae), Labcorp
Classification: Pathogenic for Tooth agenesis, selective, 4; Odonto-onycho-dermal dysplasia. Last evaluated: 2022-09-27. Review status: criteria provided, single submitter. Criteria: Invitae Variant Classification Sherloc (09022015). Collection method: clinical testing. Allele origin: germline.
Comment: For these reasons, this variant has been classified as Pathogenic. This variant disrupts a region of the WNT10A protein in which other variant(s) (p.Leu29Arg) have been observed in individuals with WNT10A-related conditions (PMID: 30974434). This suggests that this is a clinically significant region of the protein, and that variants that disrupt it are likely to be disease-causing. ClinVar contains an entry for this variant (Variation ID: 1466056). Disruption of the initiator codon has been observed in individual(s) with autosomal recessive WNT10A-related conditions (PMID: 23401279). In at least one individual the data is consistent with being in trans (on the opposite chromosome) from a pathogenic variant. The frequency data for this variant in the population databases is considered unreliable, as metrics indicate poor data quality at this position in the gnomAD database. This sequence change affects the initiator methionine of the WNT10A mRNA. The next in-frame methionine is located at codon 36.

Literature cited by the submitters: PubMed 23401279 (cited by Natera, Inc. and Labcorp Genetics (formerly Invitae), Labcorp); PubMed 30974434 (cited by Labcorp Genetics (formerly Invitae), Labcorp).

NM_025216.3(WNT10A):c.1A>T (p.Met1Leu)

Gene: WNT10A (Wnt family member 10A; plus strand). Cytogenetic location: 2q35.
Variant type: single nucleotide variant.
Coding change: c.1A>T on transcript NM_025216.3 (MANE Select); coding-DNA position 1, A replaced by T.
Protein change: p.Met1Leu; changes the start codon (methionine 1).
Molecular consequence: missense variant, initiator codon variant.
Genome position (GRCh38, 1-based): chr2:218,880,996, A>T. VCF-style: chr2-218880996-A-T. GRCh37 (hg19) VCF-style: chr2-219745718-A-T.
Other names: c.1A>T (NM_025216.2); short protein forms M1L.
Identifiers: ClinVar variation 1466056 (VCV001466056.9), dbSNP rs1221516695, ClinGen allele CA350616716.